The following is an entry in ClinVar:

ClinVar aggregate classification (germline): Uncertain significance (1 of 4 stars; one submission).

Submission:

Labcorp Genetics (formerly Invitae), Labcorp
Classification: Uncertain significance. Last evaluated: 2024-05-06. Review status: criteria provided, single submitter. Criteria: Invitae Variant Classification Sherloc (09022015). Collection method: clinical testing. Allele origin: germline.
Comment: This sequence change replaces threonine, which is neutral and polar, with isoleucine, which is neutral and non-polar, at codon 749 of the NEDD4L protein (p.Thr749Ile). This variant is not present in population databases (gnomAD no frequency). This variant has not been reported in the literature in individuals affected with NEDD4L-related conditions. ClinVar contains an entry for this variant (Variation ID: 863843). Advanced modeling of protein sequence and biophysical properties (such as structural, functional, and spatial information, amino acid conservation, physicochemical variation, residue mobility, and thermodynamic stability) performed at Invitae indicates that this missense variant is not expected to disrupt NEDD4L protein function with a negative predictive value of 80%. In summary, the available evidence is currently insufficient to determine the role of this variant in disease. Therefore, it has been classified as a Variant of Uncertain Significance.

NM_001144967.3(NEDD4L):c.2306C>T (p.Thr769Ile)

Gene: NEDD4L (NEDD4 like E3 ubiquitin protein ligase; plus strand). Cytogenetic location: 18q21.31.
Variant type: single nucleotide variant.
Coding change: c.2306C>T on transcript NM_001144967.3 (MANE Select); coding-DNA position 2306, C replaced by T.
Protein change: p.Thr769Ile; replaces threonine 769 with isoleucine.
Molecular consequence: missense variant.
Genome position (GRCh38, 1-based): chr18:58,373,223, C>T. VCF-style: chr18-58373223-C-T. GRCh37 (hg19) VCF-style: chr18-56040455-C-T.
Other names: c.1943C>T, p.Thr648Ile (NM_001144964.1, NM_001144965.2, NM_001144966.3); c.2282C>T, p.Thr761Ile (NM_001144968.2); c.2222C>T, p.Thr741Ile (NM_001144969.2); c.1883C>T, p.Thr628Ile (NM_001144970.3, NM_001144971.2); c.2114C>T, p.Thr705Ile (NM_001243960.2); c.2246C>T, p.Thr749Ile (NM_015277.6); short protein forms T749I, T705I, T761I, T628I, T648I, T741I, T769I.
Identifiers: ClinVar variation 863843 (VCV000863843.9), dbSNP rs2047124967, ClinGen allele CA402552935.